The following is an entry in ClinVar:

ClinVar aggregate classification (germline): Benign. Review status: criteria provided, multiple submitters, no conflicts (2 of 4 stars). 3 submissions from 2 submitters: Benign (3). Last evaluated 2018-01-13.

Conditions:
Lethal arthrogryposis-anterior horn cell disease syndrome (CAAHD). Also called: CONGENITAL ARTHROGRYPOSIS WITH ANTERIOR HORN CELL DISEASE. Identifiers: Orphanet 53696, MedGen C5193016, MONDO:0012750, OMIM 611890.
Lethal congenital contracture syndrome 1 (LCCS1). Also called: MULTIPLE CONTRACTURE SYNDROME, FINNISH TYPE. Identifiers: Orphanet 1486, MedGen C1854664, MONDO:0009670, OMIM 253310.

Allele frequency attached by ClinVar (database versions not stated): 1000 Genomes Project 30x 0.02467; 1000 Genomes Project 0.02516; TOPMed 0.05359; gnomAD exomes 0.18750.
gnomAD v4.1: 8,830 of 152,232 alleles (5.8%); highest among the groups gnomAD compares: Non-Finnish European, 8.9%; 373 homozygotes.

Submissions (3):

Illumina Laboratory Services, Illumina
Classification: Benign for Lethal congenital contracture syndrome 1. Last evaluated: 2018-01-13. Review status: criteria provided, single submitter. Criteria: ICSL Variant Classification Criteria 13 December 2019. Collection method: clinical testing. Allele origin: germline.
Comment: This variant was observed in the ICSL laboratory as part of a predisposition screen in an ostensibly healthy population. It had not been previously curated by ICSL or reported in the Human Gene Mutation Database (HGMD: prior to June 1st, 2018), and was therefore a candidate for classification through an automated scoring system. Utilizing variant allele frequency, disease prevalence and penetrance estimates, and inheritance mode, an automated score was calculated to assess if this variant is too frequent to cause the disease. Based on the score and internal cut-off values, a variant classified as benign is not then subjected to further curation. The score for this variant resulted in a classification of benign for this disease.

Illumina Laboratory Services, Illumina
Classification: Benign for Lethal arthrogryposis-anterior horn cell disease syndrome. Last evaluated: 2018-01-13. Review status: criteria provided, single submitter. Criteria: ICSL Variant Classification Criteria 13 December 2019. Collection method: clinical testing. Allele origin: germline.
Comment: the same text as in the submission from Illumina Laboratory Services, Illumina above.

Breakthrough Genomics
Classification: Benign. Review status: criteria provided, single submitter. Criteria: ACMG Guidelines, 2015. Collection method: not provided. Allele origin: germline. Inheritance: Autosomal recessive inheritance. Affected: yes.

NM_001003722.2(GLE1):c.*907G>C

Genes: GLE1 (GLE1 RNA export mediator; plus strand), LOC101929270 (uncharacterized LOC101929270; minus strand). Cytogenetic location: 9q34.11.
Variant type: single nucleotide variant.
Coding change: c.*907G>C on transcript NM_001003722.2 (MANE Select); 907 bases downstream of the stop codon, G replaced by C.
Molecular consequence: 3 prime UTR variant.
Genome position (GRCh38, 1-based): chr9:128,542,077, G>C. VCF-style: chr9-128542077-G-C. GRCh37 (hg19) VCF-style: chr9-131304356-G-C.
Identifiers: ClinVar variation 365145 (VCV000365145.6), dbSNP rs55823126, ClinGen allele CA10632746.